The following is an entry in ClinVar:

ClinVar aggregate classification (germline): Conflicting classifications of pathogenicity. Review status: criteria provided, conflicting classifications (1 of 4 stars). 4 submissions from 4 submitters: Likely pathogenic (1); Uncertain significance (3). Last evaluated 2025-07-07.

Conditions:
RYR1-related disorder. Also called: RYR1-related disorders; RYR1-related condition. Identifiers: MedGen CN239331.
Malignant hyperthermia, susceptibility to, 1 (MHS1). Also called: Anesthesia related hyperthermia; Malignant hyperpyrexia; Fulminating hyperpyrexia; Pharmacogenic myopathy; RYR1-Related Malignant Hyperthermia Susceptibility; Malignant hyperthermia suceptibility 1. Identifiers: Orphanet 423, MedGen C2930980, MONDO:0007783, OMIM 145600.

Submissions (4):

Color Diagnostics, LLC DBA Color Health
Classification: Uncertain significance for Malignant hyperthermia, susceptibility to, 1. Last evaluated: 2025-07-07. Review status: criteria provided, single submitter. Criteria: ACMG Guidelines, 2015. Collection method: clinical testing. Allele origin: germline.
Comment: This missense variant replaces glutamic acid with lysine at codon 2439 of the RYR1 protein. Computational prediction suggests that this variant may have deleterious impact on protein structure and function. To our knowledge, functional studies have not been reported for this variant. This variant has not been reported in individuals affected with RYR1-related disorders in the literature. This variant has not been identified in the general population by the Genome Aggregation Database (gnomAD). The available evidence is insufficient to determine the role of this variant in disease conclusively. Therefore, this variant is classified as a Variant of Uncertain Significance.

GeneDx
Classification: Likely pathogenic. Last evaluated: 2025-01-09. Review status: criteria provided, single submitter. Criteria: GeneDx Variant Classification Process June 2021. Collection method: clinical testing. Allele origin: germline. Affected: yes.
Comment: Reported as a single heterozygous variant in a patient with myopathy; however, no other clinical information was provided (PMID: 32236737); In silico analysis supports that this missense variant has a deleterious effect on protein structure/function; Not observed at significant frequency in large population cohorts (gnomAD); This variant is associated with the following publications: (PMID: 12668474, 33767344, 32236737)

Labcorp Genetics (formerly Invitae), Labcorp
Classification: Uncertain significance for RYR1-related disorder. Last evaluated: 2020-12-26. Review status: criteria provided, single submitter. Criteria: Invitae Variant Classification Sherloc (09022015). Collection method: clinical testing. Allele origin: germline.
Comment: This sequence change replaces glutamic acid with lysine at codon 2439 of the RYR1 protein (p.Glu2439Lys). The glutamic acid residue is highly conserved and there is a small physicochemical difference between glutamic acid and lysine. This variant is not present in population databases (ExAC no frequency). In summary, the available evidence is currently insufficient to determine the role of this variant in disease. Therefore, it has been classified as a Variant of Uncertain Significance. Advanced modeling of protein sequence and biophysical properties (such as structural, functional, and spatial information, amino acid conservation, physicochemical variation, residue mobility, and thermodynamic stability) performed at Invitae indicates that this missense variant is expected to disrupt RYR1 protein function. This variant has not been reported in the literature in individuals with RYR1-related conditions. ClinVar contains an entry for this variant (Variation ID: 590584).

PreventionGenetics, part of Exact Sciences
Classification: Uncertain significance. Last evaluated: 2013-10-25. Review status: criteria provided, single submitter. Criteria: ACMG Guidelines, 2015. Collection method: clinical testing. Allele origin: germline.

NM_000540.3(RYR1):c.7315G>A (p.Glu2439Lys)

Gene: RYR1 (ryanodine receptor 1; plus strand). Cytogenetic location: 19q13.2.
Variant type: single nucleotide variant.
Coding change: c.7315G>A on transcript NM_000540.3 (MANE Select); coding-DNA position 7315, G replaced by A.
Protein change: p.Glu2439Lys; replaces glutamic acid 2439 with lysine.
Molecular consequence: missense variant.
Genome position (GRCh38, 1-based): chr19:38,500,008, G>A. VCF-style: chr19-38500008-G-A. GRCh37 (hg19) VCF-style: chr19-38990648-G-A.
Other names: c.7315G>A, p.Glu2439Lys (NM_001042723.2); short protein forms E2439K.
Identifiers: ClinVar variation 590584 (VCV000590584.10), dbSNP rs1568501702, ClinGen allele CA405669658.